The following is an entry in ClinVar:

ClinVar aggregate classification (germline): Conflicting classifications of pathogenicity. Review status: criteria provided, conflicting classifications (1 of 4 stars). 3 submissions from 3 submitters: Uncertain significance (2); Likely benign (1). Last evaluated 2023-11-16.

Conditions:
Hereditary cancer-predisposing syndrome. Also called: Neoplastic Syndromes, Hereditary; Tumor predisposition; Hereditary neoplastic syndrome; Hereditary Cancer Syndrome. Identifiers: Orphanet 140162, MedGen C0027672, MeSH D009386, MONDO:0015356.

Submissions (3):

Ambry Genetics
Classification: Uncertain significance for Hereditary cancer-predisposing syndrome. Last evaluated: 2023-11-16. Review status: criteria provided, single submitter. Criteria: Ambry Variant Classification Scheme 2023. Collection method: clinical testing. Allele origin: germline.
Comment: The p.S1099L variant (also known as c.3296C>T), located in coding exon 10 of the BRCA2 gene, results from a C to T substitution at nucleotide position 3296. The serine at codon 1099 is replaced by leucine, an amino acid with dissimilar properties. This amino acid position is well conserved in available vertebrate species. In addition, this alteration is predicted to be tolerated by in silico analysis. Since supporting evidence is limited at this time, the clinical significance of this alteration remains unclear.

University of Washington Department of Laboratory Medicine, University of Washington
Classification: Likely benign for Hereditary cancer-predisposing syndrome. Last evaluated: 2023-03-23. Review status: criteria provided, single submitter. Criteria: Dines et al. (Genet Med. 2020). Collection method: curation. Allele origin: germline.
Comment: Missense variant in a coldspot region where missense variants are very unlikely to be pathogenic (PMID:31911673).

BRCA2 exon 11 coldspot. Reclassification based on statistical prior probability.

Color Diagnostics, LLC DBA Color Health
Classification: Uncertain significance for Hereditary cancer-predisposing syndrome. Last evaluated: 2019-04-28. Review status: criteria provided, single submitter. Criteria: ACMG Guidelines, 2015. Collection method: clinical testing. Allele origin: germline.

NM_000059.4(BRCA2):c.3296C>T (p.Ser1099Leu)

Gene: BRCA2 (BRCA2 DNA repair associated; plus strand). Cytogenetic location: 13q13.1.
Variant type: single nucleotide variant.
Coding change: c.3296C>T on transcript NM_000059.4 (MANE Select); coding-DNA position 3296, C replaced by T.
Protein change: p.Ser1099Leu; replaces serine 1099 with leucine.
Molecular consequence: missense variant.
Genome position (GRCh38, 1-based): chr13:32,337,651, C>T. VCF-style: chr13-32337651-C-T. GRCh37 (hg19) VCF-style: chr13-32911788-C-T.
Other names: short protein forms S1099L.
Identifiers: ClinVar variation 627932 (VCV000627932.6), dbSNP rs397507663, ClinGen allele CA387776154.